The following is an entry in ClinVar:

ClinVar aggregate classification (germline): Uncertain significance (1 of 4 stars; one submission).

Submission:

Dasa
Classification: Uncertain significance. Last evaluated: 2026-07-04. Review status: criteria provided, single submitter. Criteria: DASA Assertion Criteria. Collection method: clinical testing. Allele origin: germline.
Comment: NM_015215.4(CAMTA1):c.2315A>G (p.Gln772Arg) is a missense variant that results in the substitution of glutamine with arginine. This variant is absent from population databases. The currently available literature and clinical evidence are not sufficient to establish a definitive association between this variant and the reported condition. Therefore, this variant is classified as a variant of uncertain significance.

NM_015215.4(CAMTA1):c.2315A>G (p.Gln772Arg)

Gene: CAMTA1 (calmodulin binding transcription activator 1; plus strand). Cytogenetic location: 1p36.23.
Variant type: single nucleotide variant.
Coding change: c.2315A>G on transcript NM_015215.4 (MANE Select); coding-DNA position 2315, A replaced by G.
Protein change: p.Gln772Arg; replaces glutamine 772 with arginine.
Molecular consequence: missense variant.
Genome position (GRCh38, 1-based): chr1:7,664,862, A>G. VCF-style: chr1-7664862-A-G. GRCh37 (hg19) VCF-style: chr1-7724922-A-G.
Other names: c.2315A>G, p.Gln772Arg (NM_001349610.2, NM_001410737.1, NM_001349609.2); c.2225A>G, p.Gln742Arg (NM_001349612.2, NM_001349608.2); c.2243A>G, p.Gln748Arg (NM_001410738.1); short protein forms Q742R, Q748R, Q772R.
Identifiers: ClinVar variation 5020240 (VCV005020240.1).